The following is an entry in ClinVar:

NM_001395294.1(FAM149A):c.1303T>A (p.Trp435Arg)

Gene: FAM149A (family with sequence similarity 149 member A; plus strand). Cytogenetic location: 4q35.1.
Variant type: single nucleotide variant.
Coding change: c.1303T>A on transcript NM_001395294.1 (MANE Select); coding-DNA position 1303, T replaced by A.
Protein change: p.Trp435Arg; replaces tryptophan 435 with arginine.
Molecular consequence: missense variant.
Genome position (GRCh38, 1-based): chr4:186,156,046, T>A. VCF-style: chr4-186156046-T-A. GRCh37 (hg19) VCF-style: chr4-187077200-T-A.
Other names: c.430T>A (NM_015398.2); c.430T>A, p.Trp144Arg (NM_001006655.3, NM_001350178.1, NM_001350179.1 and 1 more transcripts); c.1276T>A, p.Trp426Arg (NM_001367768.3); short protein forms W144R, W426R, W435R.
Identifiers: ClinVar variation 2655214 (VCV002655214.25), dbSNP rs147196705, ClinGen allele CA3161869.

ClinVar aggregate classification (germline): Likely benign. Review status: criteria provided, multiple submitters, no conflicts (2 of 4 stars). 2 submissions from 2 submitters: Likely benign (2). Last evaluated 2025-07-31.

Allele frequency attached by ClinVar (database versions not stated): ExAC 0.00063; ESP Exome Variant Server 0.00131; gnomAD 0.00194; TOPMed 0.00243; 1000 Genomes Project 30x 0.00281; 1000 Genomes Project 0.00319.
gnomAD v4.1: 620 of 1,613,788 alleles (0.038%); highest among the groups gnomAD compares: African/African-American, 0.69%; 3 homozygotes.

Submissions (2):

Ambry Genetics
Classification: Likely benign. Last evaluated: 2025-07-31. Review status: criteria provided, single submitter. Criteria: Ambry Variant Classification Scheme 2023. Collection method: clinical testing. Allele origin: germline.

CeGaT Center for Human Genetics Tuebingen
Classification: Likely benign. Last evaluated: 2022-12-01. Review status: criteria provided, single submitter. Criteria: CeGaT Center For Human Genetics Tuebingen Variant Classification Criteria Version 2. Collection method: clinical testing. Allele origin: germline. Affected: yes. Observed: 1 variant allele.
Comment: FAM149A: BP4